The following is an entry in ClinVar:

ClinVar aggregate classification (germline): Pathogenic/Likely pathogenic. Review status: criteria provided, multiple submitters, no conflicts (2 of 4 stars). 3 submissions from 3 submitters: Pathogenic (1); Likely pathogenic (1). 1 of the submissions does not count toward it. Last evaluated 2023-07-25.

Conditions:
PKP2-related disorder. Also called: PKP2-related condition.
Arrhythmogenic right ventricular dysplasia 9 (ARVD9). Also called: Arrhythmogenic Right Ventricular Dysplasia/Cardiomyopathy 9; ARRHYTHMOGENIC RIGHT VENTRICULAR DYSPLASIA, FAMILIAL, 9. Identifiers: MedGen C1836906, MONDO:0012180, OMIM 609040.

Allele frequency attached by ClinVar (database versions not stated): gnomAD exomes below 0.00001.

Submissions (3):

Labcorp Genetics (formerly Invitae), Labcorp
Classification: Pathogenic for Arrhythmogenic right ventricular dysplasia 9. Last evaluated: 2023-07-25. Review status: criteria provided, single submitter. Criteria: Invitae Variant Classification Sherloc (09022015). Collection method: clinical testing. Allele origin: germline.
Comment: For these reasons, this variant has been classified as Pathogenic. ClinVar contains an entry for this variant (Variation ID: 533041). This variant has not been reported in the literature in individuals affected with PKP2-related conditions. This variant is not present in population databases (gnomAD no frequency). This sequence change creates a premature translational stop signal (p.His318Thrfs*2) in the PKP2 gene. It is expected to result in an absent or disrupted protein product. Loss-of-function variants in PKP2 are known to be pathogenic (PMID: 15489853, 23911551).

Blueprint Genetics
Classification: Likely pathogenic for PKP2-related disorders. Last evaluated: 2017-07-04. Review status: criteria provided, single submitter. Criteria: ACMG Guidelines, 2015. Collection method: clinical testing. Allele origin: germline. Affected: yes. Observed: 1 variant allele.

Genomics England Pilot Project, Genomics England
Classification: Likely pathogenic for Arrhythmogenic right ventricular dysplasia 9. Review status: no assertion criteria provided. Criteria: ACGS Guidelines, 2016. Collection method: clinical testing. Allele origin: germline. Affected: yes. Not counted in ClinVar's aggregate classification.

Literature cited by the submitters: PubMed 15489853 (cited by Labcorp Genetics (formerly Invitae), Labcorp); PubMed 23911551 (cited by Labcorp Genetics (formerly Invitae), Labcorp).

NM_001005242.3(PKP2):c.951del (p.His318fs)

Gene: PKP2 (plakophilin 2; minus strand). Cytogenetic location: 12p11.21.
Variant type: Deletion.
Coding change: c.951del on transcript NM_001005242.3 (MANE Select); coding-DNA position 951, one base deleted (G; older notation c.951delG).
Protein change: p.His318fs; shifts the reading frame from histidine 318.
Molecular consequence: frameshift variant.
Genome position (GRCh38, 1-based): chr12:32,877,929, C deleted on the plus strand (G on the coding strand, the reverse complement: PKP2 is on the minus strand). VCF-style (leftmost placement, unchanged base first): chr12-32877928-GC-G. GRCh37 (hg19) VCF-style: chr12-33030862-GC-G.
Other names: c.951del, p.His318fs (NM_004572.4); c.951delG (NM_004572.3); short protein forms H318fs.
Identifiers: ClinVar variation 533041 (VCV000533041.9), dbSNP rs1555148048, ClinGen allele CA658797865.